The following is an entry in ClinVar:

ClinVar aggregate classification (germline): Conflicting classifications of pathogenicity. Review status: criteria provided, conflicting classifications (1 of 4 stars). 2 submissions from 2 submitters: Likely pathogenic (1); Uncertain significance (1). Last evaluated 2022-06-12.

Allele frequency attached by ClinVar (database versions not stated): gnomAD exomes below 0.00001 and 0.00001; TOPMed below 0.00001; ExAC 0.00002.
gnomAD v4.1: 3 of 1,613,244 alleles (0.00019%); highest among the groups gnomAD compares: South Asian, 0.0022%; no homozygotes.

Submissions (2):

Labcorp Genetics (formerly Invitae), Labcorp
Classification: Uncertain significance. Last evaluated: 2022-06-12. Review status: criteria provided, single submitter. Criteria: Invitae Variant Classification Sherloc (09022015). Collection method: clinical testing. Allele origin: germline.
Comment: This sequence change replaces alanine, which is neutral and non-polar, with valine, which is neutral and non-polar, at codon 320 of the AARS2 protein (p.Ala320Val). This variant is present in population databases (rs201471937, gnomAD 0.007%). This variant has not been reported in the literature in individuals affected with AARS2-related conditions. ClinVar contains an entry for this variant (Variation ID: 932473). Advanced modeling of protein sequence and biophysical properties (such as structural, functional, and spatial information, amino acid conservation, physicochemical variation, residue mobility, and thermodynamic stability) performed at Invitae indicates that this missense variant is expected to disrupt AARS2 protein function. In summary, the available evidence is currently insufficient to determine the role of this variant in disease. Therefore, it has been classified as a Variant of Uncertain Significance.

CeGaT Center for Human Genetics Tuebingen
Classification: Likely pathogenic. Last evaluated: 2020-04-01. Review status: criteria provided, single submitter. Criteria: CeGaT Center For Human Genetics Tuebingen Variant Classification Criteria Version 2. Collection method: clinical testing. Allele origin: germline. Affected: yes. Observed: 2 variant alleles.

NM_020745.4(AARS2):c.959C>T (p.Ala320Val)

Gene: AARS2 (alanyl-tRNA synthetase 2, mitochondrial; minus strand). Cytogenetic location: 6p21.1.
Variant type: single nucleotide variant.
Coding change: c.959C>T on transcript NM_020745.4 (MANE Select); coding-DNA position 959, C replaced by T.
Protein change: p.Ala320Val; replaces alanine 320 with valine.
Molecular consequence: missense variant.
Genome position (GRCh38, 1-based): chr6:44,307,330, G>A on the plus strand (C>T on the coding strand, the complement: AARS2 is on the minus strand). VCF-style: chr6-44307330-G-A. GRCh37 (hg19) VCF-style: chr6-44275067-G-A.
Other names: short protein forms A320V.
Identifiers: ClinVar variation 932473 (VCV000932473.43), dbSNP rs201471937, ClinGen allele CA3834501.